The following is an entry in ClinVar:

NM_000393.5(COL5A2):c.1301C>A (p.Thr434Lys)

Gene: COL5A2 (collagen type V alpha 2 chain; minus strand). Cytogenetic location: 2q32.2.
Variant type: single nucleotide variant.
Coding change: c.1301C>A on transcript NM_000393.5 (MANE Select); coding-DNA position 1301, C replaced by A.
Protein change: p.Thr434Lys; replaces threonine 434 with lysine.
Molecular consequence: missense variant.
Genome position (GRCh38, 1-based): chr2:189,068,227, G>T on the plus strand (C>A on the coding strand, the complement: COL5A2 is on the minus strand). VCF-style: chr2-189068227-G-T. GRCh37 (hg19) VCF-style: chr2-189932953-G-T.
Other names: short protein forms T434K.
Identifiers: ClinVar variation 1359884 (VCV001359884.6), dbSNP rs145850743, ClinGen allele CA349852946.

ClinVar aggregate classification (germline): Uncertain significance (1 of 4 stars; one submission).

Conditions:
Ehlers-Danlos syndrome, classic type, 1 (EDSCL1). Also called: EHLERS-DANLOS SYNDROME, GRAVIS TYPE; EHLERS-DANLOS SYNDROME, SEVERE CLASSIC TYPE; Ehlers-Danlos syndrome, type 1; EDS I; Ehlers-Danlos Syndrome, Classic Type, COL5A1-Related. Identifiers: MedGen C0268335, MONDO:0019567, OMIM 130000.

gnomAD v4.1: 2 of 1,613,666 alleles (0.00012%); highest among the groups gnomAD compares: Non-Finnish European, 0.00017%; no homozygotes.

Submission:

Labcorp Genetics (formerly Invitae), Labcorp
Classification: Uncertain significance for Ehlers-Danlos syndrome, classic type, 1. Last evaluated: 2021-11-24. Review status: criteria provided, single submitter. Criteria: Invitae Variant Classification Sherloc (09022015). Collection method: clinical testing. Allele origin: germline.
Comment: In summary, the available evidence is currently insufficient to determine the role of this variant in disease. Therefore, it has been classified as a Variant of Uncertain Significance. Algorithms developed to predict the effect of missense changes on protein structure and function (SIFT, PolyPhen-2, Align-GVGD) all suggest that this variant is likely to be disruptive. This variant has not been reported in the literature in individuals affected with COL5A2-related conditions. This variant is not present in population databases (gnomAD no frequency). This sequence change replaces threonine, which is neutral and polar, with lysine, which is basic and polar, at codon 434 of the COL5A2 protein (p.Thr434Lys).